The following is an entry in ClinVar:

NM_181458.4(PAX3):c.85+1G>T

Genes: CCDC140 (CCDC140 long non-coding RNA; plus strand), PAX3 (paired box 3; minus strand). Cytogenetic location: 2q36.1.
Variant type: single nucleotide variant.
Coding change: c.85+1G>T on transcript NM_181458.4 (MANE Select); the canonical splice donor site of the intron after coding-DNA position 85, G replaced by T.
Molecular consequence: splice donor variant.
Genome position (GRCh38, 1-based): chr2:222,298,530, C>A on the plus strand (G>T on the coding strand, the complement: PAX3 is on the minus strand). VCF-style: chr2-222298530-C-A. GRCh37 (hg19) VCF-style: chr2-223163249-C-A.
Other names: c.85+1G>T (NM_001127366.3, NM_181460.4, NM_181461.4 and 4 more transcripts).
Identifiers: ClinVar variation 4726654 (VCV004726654.1).
Genomic context (GRCh38, chr2:222,298,530, plus strand): 5'-GGGGTGAGGCAGCCGGTCCCAGGCCCTGGGATCCAGGCGGCGCGCTGAGGCCCTCCCTTA[C>A]CTTCCAGCGGGAACCCGCTACGCGGGTAGTTCTGCCCCGGGCCCGGCCGCATCATCCTGG-3'

ClinVar aggregate classification (germline): Likely pathogenic (1 of 4 stars; one submission).

Submission:

Labcorp Genetics (formerly Invitae), Labcorp
Classification: Likely pathogenic. Last evaluated: 2025-09-04. Review status: criteria provided, single submitter. Criteria: Invitae Variant Classification Sherloc (09022015). Collection method: clinical testing. Allele origin: germline.
Comment: This sequence change affects a donor splice site in intron 1 of the PAX3 gene. It is expected to disrupt RNA splicing. Variants that disrupt the donor or acceptor splice site typically lead to a loss of protein function (PMID: 16199547), and loss-of-function variants in PAX3 are known to be pathogenic (PMID: 20127975, 23512835). This variant is not present in population databases (gnomAD no frequency). This variant has not been reported in the literature in individuals affected with PAX3-related conditions. Algorithms developed to predict the effect of sequence changes on RNA splicing suggest that this variant may disrupt the consensus splice site. In summary, the currently available evidence indicates that the variant is pathogenic, but additional data are needed to prove that conclusively. Therefore, this variant has been classified as Likely Pathogenic.

Literature cited by the submitters: PubMed 16199547; PubMed 20127975; PubMed 23512835.